The following is an entry in ClinVar:

NM_032492.4(JAGN1):c.191C>G (p.Ser64Ter)

Gene: JAGN1 (jagunal vesicle mediated transporter 1; plus strand). Cytogenetic location: 3p25.3.
Variant type: single nucleotide variant.
Coding change: c.191C>G on transcript NM_032492.4 (MANE Select); coding-DNA position 191, C replaced by G.
Protein change: p.Ser64Ter; replaces serine 64 with a stop codon.
Molecular consequence: nonsense.
Genome position (GRCh38, 1-based): chr3:9,893,016, C>G. VCF-style: chr3-9893016-C-G. GRCh37 (hg19) VCF-style: chr3-9934700-C-G.
Other names: c.29C>G, p.Ser10Ter (NM_001363890.1); short protein forms S10*, S64*.
Identifiers: ClinVar variation 4979377 (VCV004979377.1).

ClinVar aggregate classification (germline): Likely pathogenic (1 of 4 stars; one submission).

Conditions:
JAGN1-related disorder. Also called: JAGN1-related condition.

gnomAD v4.1: 19 of 1,614,060 alleles (0.0012%); highest among the groups gnomAD compares: African/African-American, 0.024%; no homozygotes.

Submission:

PreventionGenetics, part of Exact Sciences
Classification: Likely pathogenic for JAGN1-related condition. Last evaluated: 2026-08-19. Review status: criteria provided, single submitter. Criteria: ACMG Guidelines, 2015. Collection method: clinical testing. Allele origin: germline.
Comment: The JAGN1 c.191C>G variant is predicted to result in premature protein termination (p.Ser64*). This variant has been reported in the compound heterozygous state in an individual with severe congenital neutropenia (Thomas et al. 2023. PubMed ID: 37528877). This variant is reported in 0.016% of alleles in individuals of African descent in gnomAD. Nonsense variants in JAGN1 are expected to be pathogenic. This variant is interpreted as likely pathogenic.